The following is an entry in ClinVar:

NM_145178.4(ATOH7):c.268A>C (p.Met90Leu)

Gene: ATOH7 (atonal bHLH transcription factor 7; minus strand). Cytogenetic location: 10q21.3.
Variant type: single nucleotide variant.
Coding change: c.268A>C on transcript NM_145178.4 (MANE Select); coding-DNA position 268, A replaced by C.
Protein change: p.Met90Leu; replaces methionine 90 with leucine.
Molecular consequence: missense variant.
Genome position (GRCh38, 1-based): chr10:68,231,410, T>G on the plus strand (A>C on the coding strand, the complement: ATOH7 is on the minus strand). VCF-style: chr10-68231410-T-G. GRCh37 (hg19) VCF-style: chr10-69991167-T-G.
Other names: c.268A>C (NM_145178.2); short protein forms M90L.
Identifiers: ClinVar variation 1056070 (VCV001056070.8), dbSNP rs2044025873, ClinGen allele CA376835813.

ClinVar aggregate classification (germline): Uncertain significance. Review status: criteria provided, multiple submitters, no conflicts (2 of 4 stars). 2 submissions from 2 submitters: Uncertain significance (2). Last evaluated 2026-05-19.

Allele frequency attached by ClinVar (database versions not stated): TOPMed 0.00001; gnomAD 0.00001.

Submissions (2):

Ambry Genetics
Classification: Uncertain significance. Last evaluated: 2026-05-19. Review status: criteria provided, single submitter. Criteria: Ambry Variant Classification Scheme 2023. Collection method: clinical testing. Allele origin: germline.

Labcorp Genetics (formerly Invitae), Labcorp
Classification: Uncertain significance. Last evaluated: 2022-07-26. Review status: criteria provided, single submitter. Criteria: Invitae Variant Classification Sherloc (09022015). Collection method: clinical testing. Allele origin: germline.
Comment: This variant is not present in population databases (gnomAD no frequency). This variant has not been reported in the literature in individuals affected with ATOH7-related conditions. ClinVar contains an entry for this variant (Variation ID: 1056070). Algorithms developed to predict the effect of missense changes on protein structure and function (SIFT, PolyPhen-2, Align-GVGD) all suggest that this variant is likely to be tolerated. In summary, the available evidence is currently insufficient to determine the role of this variant in disease. Therefore, it has been classified as a Variant of Uncertain Significance. This sequence change replaces methionine, which is neutral and non-polar, with leucine, which is neutral and non-polar, at codon 90 of the ATOH7 protein (p.Met90Leu).